The following is an entry in ClinVar:

ClinVar aggregate classification (germline): Pathogenic (1 of 4 stars; one submission).

Conditions:
Autosomal recessive limb-girdle muscular dystrophy type 2F (LGMDR6). Also called: MUSCULAR DYSTROPHY, LIMB-GIRDLE, AUTOSOMAL RECESSIVE 6; Muscular dystrophy limb-girdle with delta-sarcoglyan deficiency. Identifiers: Orphanet 219, MedGen C1832525, MONDO:0011028, OMIM 601287. Disease mechanism: Affects gamma-sarcoglycan and also disrupts the integrity of the entire sarcoglycan complex..

Submission:

Labcorp Genetics (formerly Invitae), Labcorp
Classification: Pathogenic for Autosomal recessive limb-girdle muscular dystrophy type 2F. Last evaluated: 2022-07-11. Review status: criteria provided, single submitter. Criteria: Invitae Variant Classification Sherloc (09022015). Collection method: clinical testing. Allele origin: germline.
Comment: For these reasons, this variant has been classified as Pathogenic. Algorithms developed to predict the effect of sequence changes on RNA splicing suggest that this variant may create or strengthen a splice site. ClinVar contains an entry for this variant (Variation ID: 411697). This variant has not been reported in the literature in individuals affected with SGCD-related conditions. This variant is not present in population databases (gnomAD no frequency). This sequence change creates a premature translational stop signal (p.Ile27Glyfs*40) in the SGCD gene. It is expected to result in an absent or disrupted protein product. Loss-of-function variants in SGCD are known to be pathogenic (PMID: 8841194, 10735275, 10838250).

Literature cited by the submitters: PubMed 8841194; PubMed 10735275; PubMed 10838250.

NM_000337.6(SGCD):c.74_77dup (p.Ile27fs)

Gene: SGCD (sarcoglycan delta; plus strand). Cytogenetic location: 5q33.3.
Variant type: Duplication.
Coding change: c.74_77dup on transcript NM_000337.6 (MANE Select); coding-DNA positions 74 to 77, 4 bases duplicated (TGGG; older notation c.74_77dupTGGG).
Protein change: p.Ile27fs; shifts the reading frame from isoleucine 27.
Molecular consequence: frameshift variant.
Genome position (GRCh38, 1-based): chr5:156,344,559-156,344,562, TGGG duplicated; duplicating any 4 consecutive bases within chr5:156,344,557-156,344,562 gives the same sequence; the c. name uses the placement nearest the transcript's 3' end. VCF-style (leftmost placement, unchanged base first): chr5-156344556-A-AGGTG. GRCh37 (hg19) VCF-style: chr5-155771566-A-AGGTG.
Other names: c.74_77dupTGGG (NM_000337.5); c.71_74dup, p.Ile26fs (NM_001128209.2); c.74_77dup, p.Ile27fs (NM_172244.3); short protein forms I26fs, I27fs.
Identifiers: ClinVar variation 411697 (VCV000411697.7), dbSNP rs1554094947, ClinGen allele CA16611801.